The following is an entry in ClinVar:

NM_001142800.2(EYS):c.8210C>T (p.Ala2737Val)

Gene: EYS (EGF-like photoreceptor maintenance factor; minus strand). Cytogenetic location: 6q12.
Variant type: single nucleotide variant.
Coding change: c.8210C>T on transcript NM_001142800.2 (MANE Select); coding-DNA position 8210, C replaced by T.
Protein change: p.Ala2737Val; replaces alanine 2737 with valine.
Molecular consequence: missense variant.
Genome position (GRCh38, 1-based): chr6:63,726,542, G>A on the plus strand (C>T on the coding strand, the complement: EYS is on the minus strand). VCF-style: chr6-63726542-G-A. GRCh37 (hg19) VCF-style: chr6-64436435-G-A.
Other names: c.8273C>T, p.Ala2758Val (NM_001292009.2); short protein forms A2737V, A2758V.
Identifiers: ClinVar variation 845265 (VCV000845265.8), dbSNP rs1481779086, ClinGen allele CA364385783.
Genomic context (GRCh38, chr6:63,726,542, plus strand): 5'-GAATTCATTCTGCAAACAAACAGCCTGCCAATCTTACCTGATTGGGCTTTTAAGTGTTGT[G>A]CAGCATAAAATAGGATACCATCTGCAGCGAGAGGCTGAAACTGCAATTGAATATGTGTCT-3'
Protein context (NP_001136272.1, residues 2727-2747): LAADGILFYA[Ala2737Val]QHLKAQSGDF

ClinVar aggregate classification (germline): Uncertain significance. Review status: criteria provided, multiple submitters, no conflicts (2 of 4 stars). 3 submissions from 3 submitters: Uncertain significance (2). 1 of the submissions does not count toward it. Last evaluated 2021-10-19.

Conditions:
Retinitis pigmentosa 25 (RP25). Identifiers: Orphanet 791, MedGen C1864446, MONDO:0011272, OMIM 602772.

Allele frequency attached by ClinVar (database versions not stated): gnomAD exomes below 0.00001.
gnomAD v4.1: 1 of 1,550,840 alleles (0.000064%); highest among the groups gnomAD compares: Non-Finnish European, 0.000087%; no homozygotes.

Submissions (3):

Blueprint Genetics
Classification: Uncertain significance. Last evaluated: 2021-10-19. Review status: criteria provided, single submitter. Criteria: ACMG Guidelines, 2015. Collection method: clinical testing. Allele origin: germline.

Labcorp Genetics (formerly Invitae), Labcorp
Classification: Uncertain significance. Last evaluated: 2021-08-27. Review status: criteria provided, single submitter. Criteria: Invitae Variant Classification Sherloc (09022015). Collection method: clinical testing. Allele origin: germline.
Comment: This sequence change replaces alanine with valine at codon 2737 of the EYS protein (p.Ala2737Val). The alanine residue is highly conserved and there is a small physicochemical difference between alanine and valine. This variant is not present in population databases (ExAC no frequency). This variant has not been reported in the literature in individuals affected with EYS-related conditions. Algorithms developed to predict the effect of missense changes on protein structure and function are either unavailable or do not agree on the potential impact of this missense change (SIFT: "Deleterious"; PolyPhen-2: "Probably Damaging"; Align-GVGD: "Class C0"). In summary, the available evidence is currently insufficient to determine the role of this variant in disease. Therefore, it has been classified as a Variant of Uncertain Significance.

Natera, Inc.
Classification: Uncertain significance for Retinitis pigmentosa type 25. Last evaluated: 2021-02-08. Review status: no assertion criteria provided. Collection method: clinical testing. Allele origin: germline. Not counted in ClinVar's aggregate classification.